The following is an entry in ClinVar:

ClinVar aggregate classification (germline): Uncertain significance. Review status: criteria provided, multiple submitters, no conflicts (2 of 4 stars). 2 submissions from 2 submitters: Uncertain significance (2). Last evaluated 2022-11-08.

Allele frequency attached by ClinVar (database versions not stated): gnomAD 0.00003; gnomAD exomes 0.00003; TOPMed 0.00003; ESP Exome Variant Server 0.00008; ExAC 0.00010.
gnomAD v4.1: 47 of 1,612,682 alleles (0.0029%); highest among the groups gnomAD compares: Non-Finnish European, 0.0038%; no homozygotes.

Submissions (2):

Labcorp Genetics (formerly Invitae), Labcorp
Classification: Uncertain significance. Last evaluated: 2022-11-08. Review status: criteria provided, single submitter. Criteria: Invitae Variant Classification Sherloc (09022015). Collection method: clinical testing. Allele origin: germline.
Comment: This sequence change replaces serine, which is neutral and polar, with leucine, which is neutral and non-polar, at codon 852 of the ANLN protein (p.Ser852Leu). This variant is present in population databases (rs147356311, gnomAD 0.01%). This variant has not been reported in the literature in individuals affected with ANLN-related conditions. Advanced modeling of protein sequence and biophysical properties (such as structural, functional, and spatial information, amino acid conservation, physicochemical variation, residue mobility, and thermodynamic stability) performed at Invitae indicates that this missense variant is not expected to disrupt ANLN protein function. In summary, the available evidence is currently insufficient to determine the role of this variant in disease. Therefore, it has been classified as a Variant of Uncertain Significance.

Ambry Genetics
Classification: Uncertain significance. Last evaluated: 2022-06-29. Review status: criteria provided, single submitter. Criteria: Ambry Variant Classification Scheme 2023. Collection method: clinical testing. Allele origin: germline.

NM_018685.5(ANLN):c.2555C>T (p.Ser852Leu)

Gene: ANLN (anillin, actin binding protein; plus strand). Cytogenetic location: 7p14.2.
Variant type: single nucleotide variant.
Coding change: c.2555C>T on transcript NM_018685.5 (MANE Select); coding-DNA position 2555, C replaced by T.
Protein change: p.Ser852Leu; replaces serine 852 with leucine.
Molecular consequence: missense variant.
Genome position (GRCh38, 1-based): chr7:36,423,895, C>T. VCF-style: chr7-36423895-C-T. GRCh37 (hg19) VCF-style: chr7-36463504-C-T.
Other names: c.2555C>T (NM_018685.2); c.2444C>T, p.Ser815Leu (NM_001284301.3); c.2441C>T, p.Ser814Leu (NM_001284302.3); short protein forms S852L, S814L, S815L.
Identifiers: ClinVar variation 2144193 (VCV002144193.5), dbSNP rs147356311, ClinGen allele CA4219890.